The following is an entry in ClinVar:

ClinVar aggregate classification (germline): Pathogenic. Review status: reviewed by expert panel (3 of 4 stars). 51 submissions from 48 submitters: Pathogenic (1). 50 of the submissions do not count toward it. Last evaluated 2016-04-22.

Conditions:
Pancreatic cancer, susceptibility to, 2. Identifiers: Orphanet 1333, MedGen C3150546, MONDO:0013235, OMIM 613347.
Glioma susceptibility 3 (GLM3). Also called: Glioblastoma 3. Identifiers: Orphanet 182067, Orphanet 360, MedGen C2751641, MONDO:0013093, OMIM 613029.
Breast-ovarian cancer, familial, susceptibility to, 2 (BROVCA2). Also called: BRCA2 Hereditary Breast and Ovarian Cancer. Identifiers: Orphanet 145, MedGen C2675520, MONDO:0012933, OMIM 612555. Disease mechanism: loss of function.
Esophageal atresia/tracheoesophageal fistula. Also called: Tracheoesophageal fistula; TRACHEOESOPHAGEAL FISTULA WITH OR WITHOUT ESOPHAGEAL ATRESIA. Identifiers: Orphanet 1199, MedGen C0040588, MeSH D014138, MONDO:0008586, OMIM 189960, HP:0002575.
Fanconi anemia complementation group D1. Also called: BRCA2-Related Fanconi Anemia. Identifiers: Orphanet 319462, MedGen C1838457, MONDO:0011584, OMIM 605724.
Medulloblastoma (MDB). Also called: Medulloblastoma, somatic; MEDULLOBLASTOMA PREDISPOSITION SYNDROME. Identifiers: Orphanet 616, MedGen C0025149, MeSH D008527, MONDO:0007959, OMIM 155255, HP:0002885.
Wilms tumor 1 (WT1). Also called: Wilms tumor, somatic. Identifiers: Orphanet 654, MedGen CN033288, MONDO:0008679, OMIM 194070.
Prostate cancer. Also called: Malignant tumor of prostate. Identifiers: Orphanet 1331, MedGen C0376358, MONDO:0008315, HP:0012125.
Familial cancer of breast. Also called: BREAST CANCER, FAMILIAL; hereditary breast carcinoma; Hereditary breast cancer. Identifiers: Orphanet 227535, MedGen C0346153, MONDO:0016419, OMIM 114480. Disease mechanism: loss of function.
Inherited breast cancer and ovarian cancer.
Familial prostate cancer. Also called: Hereditary Prostate Cancer. Identifiers: MedGen C2931456, MONDO:0700275, OMIM 176807.
BRCA2-related disorder. Also called: BRCA2-related condition; BRCA2-related disorders. Identifiers: MedGen CN239275.
Breast and/or ovarian cancer. Identifiers: MedGen CN221562.
Hereditary cancer-predisposing syndrome. Also called: Neoplastic Syndromes, Hereditary; Tumor predisposition; Hereditary Cancer Syndrome; Hereditary neoplastic syndrome. Identifiers: Orphanet 140162, MedGen C0027672, MeSH D009386, MONDO:0015356.
Ovarian cancer. Also called: OVARIAN CANCER, SOMATIC. Identifiers: Orphanet 213500, MedGen C1140680, MONDO:0008170, OMIM 167000.
Hereditary breast ovarian cancer syndrome. Also called: Breast and ovarian cancer; Hereditary breast and ovarian cancer; Hereditary breast and ovarian cancer syndrome (HBOC); Hereditary breast and ovarian cancer syndrome; BRCA1- and BRCA2-Associated Hereditary Breast and Ovarian Cancer; Hereditary breast and/or ovarian cancer syndrome. Identifiers: Orphanet 145, MedGen C0677776, MeSH D061325, MONDO:0003582. Disease mechanism: loss of function.
Ovarian neoplasm. Also called: Ovarian Neoplasms; Ovarian tumor; Neoplasm of ovary. Identifiers: MedGen C0919267, MeSH D010051, MONDO:0021068, HP:0100615.
Breast-ovarian cancer, familial, susceptibility to, 1 (BROVCA1). Also called: BRCA1 Hereditary Breast and Ovarian Cancer; OVARIAN CANCER, SUSCEPTIBILITY TO. Identifiers: Orphanet 145, MedGen C2676676, MONDO:0011450, OMIM 604370. Disease mechanism: loss of function.

Allele frequency attached by ClinVar (database versions not stated): TOPMed 0.00002; ESP Exome Variant Server 0.00008.
gnomAD v4.1: 46 of 1,613,256 alleles (0.0029%); highest among the groups gnomAD compares: Non-Finnish European, 0.0038%; no homozygotes.

Submissions 1 to 7 of 51:

Evidence-based Network for the Interpretation of Germline Mutant Alleles (ENIGMA)
Classification: Pathogenic for Breast-ovarian cancer, familial, susceptibility to, 2. Last evaluated: 2016-04-22. Review status: reviewed by expert panel. Criteria: ENIGMA BRCA1/2 Classification Criteria (2015). Collection method: curation. Allele origin: germline.
Comment: Variant allele predicted to encode a truncated non-functional protein.

PreventionGenetics, part of Exact Sciences
Classification: Pathogenic for BRCA2-related condition. Last evaluated: 2026-07-27. Review status: criteria provided, single submitter. Criteria: ACMG Guidelines, 2015. Collection method: clinical testing. Allele origin: germline. Not counted in ClinVar's aggregate classification.
Comment: The BRCA2 c.5682C>G variant is predicted to result in premature protein termination (p.Tyr1894*). This variant has been reported in individuals with various cancers including breast, ovarian, and prostate (see, for example: Risch et al. 2001. PubMed ID: 11179017; Edwards et al. 2010. PubMed ID: 20736950; Dudley et al. 2018. PubMed ID: 29360161). It has also been reported in the compound heterozygous state in siblings with Fanconi anemia (Wagner et al. 2004. PubMed ID: 15070707). This variant is reported in 0.00088% of alleles in individuals of European (non-Finnish) descent in gnomAD and has been interpreted as pathogenic by the Evidence-based Network for the Interpretation of Germline Mutant Alleles (ENIGMA) in ClinVar (Variation ID: 37989). Nonsense variants in BRCA2 are expected to be pathogenic. This variant is interpreted as pathogenic.

Genetics Laboratory, Great Ormond Street Hospital NHS Foundation Trust, North Thames Genomic Laboratory Hub
Classification: Pathogenic for Inherited breast cancer and ovarian cancer. Last evaluated: 2026-07-21. Review status: criteria provided, single submitter. Criteria: CanVIG BRCA Gene Specific V1.22. Collection method: clinical testing. Allele origin: germline. Affected: yes. Not counted in ClinVar's aggregate classification.
Comment: PS4_very-strong, PVS1_very-strong, PM5_strong, PP4_moderate

Labcorp Genetics (formerly Invitae), Labcorp
Classification: Pathogenic for Hereditary breast ovarian cancer syndrome. Last evaluated: 2026-01-28. Review status: criteria provided, single submitter. Criteria: Invitae Variant Classification Sherloc (09022015). Collection method: clinical testing. Allele origin: germline. Not counted in ClinVar's aggregate classification.
Comment: This sequence change creates a premature translational stop signal (p.Tyr1894*) in the BRCA2 gene. It is expected to result in an absent or disrupted protein product. Loss-of-function variants in BRCA2 are known to be pathogenic (PMID: 20104584). This variant is present in population databases (rs41293497, gnomAD 0.0009%). This premature translational stop signal has been observed in individual(s) with ovarian cancer, breast cancer, prostate cancer, and Fanconi anemia (PMID: 11179017, 15070707, 16168118, 18042939, 20736950). This variant is also known as 5910C>G. ClinVar contains an entry for this variant (Variation ID: 37989). For these reasons, this variant has been classified as Pathogenic.

GeneKor MSA
Classification: Pathogenic for Hereditary breast ovarian cancer syndrome. Last evaluated: 2025-05-15. Review status: criteria provided, single submitter. Criteria: ACMG Guidelines, 2015. Collection method: clinical testing. Allele origin: germline. Affected: yes. Not counted in ClinVar's aggregate classification.
Comment: This variant, located in coding exon 11 of the BRCA2 gene, is a single base substitution at nucleotide position 5682, c.(5682C>G), replacing Tyrosine with a premature termination stop signal at codon 1894, p.(Tyr1894*). This is expected to result in an absent or disrupted protein product. Truncating variants in BRCA2 are known to be pathogenic (PMID:20104584). This variant is present in population databases (rs41293497). In international literature it has been reported in individuals with with ovarian cancer, breast cancer, prostate cancer, and Fanconi anemia (PMID:11179017, 15070707, 16168118, 18042939, 20736950). ClinVar contains entries for this variant where is listed as pathogenic (VCV000037989.110). Based on the classification criteria set by the ACMG and AMP (PMID:25741868) this variant has been classified as pathogenic.

NHS Central & South Genomic Laboratory Hub
Classification: Pathogenic for Inherited breast cancer and ovarian cancer. Last evaluated: 2025-04-09. Review status: criteria provided, single submitter. Criteria: ACMG Guidelines, 2015. Collection method: clinical testing. Allele origin: germline. Affected: yes. Not counted in ClinVar's aggregate classification.

Ambry Genetics
Classification: Pathogenic for Hereditary cancer-predisposing syndrome. Last evaluated: 2025-02-15. Review status: criteria provided, single submitter. Criteria: Ambry Variant Classification Scheme 2023. Collection method: clinical testing. Allele origin: germline. Not counted in ClinVar's aggregate classification.
Comment: The p.Y1894* pathogenic mutation (also known as c.5682C>G), located in coding exon 10 of the BRCA2 gene, results from a C to G substitution at nucleotide position 5682. This changes the amino acid from a tyrosine to a stop codon within coding exon 10. This mutation has been reported in multiple hereditary breast and ovarian cancer (HBOC) cohorts (Risch HA et al. Am. J. Hum. Genet. 2001 Mar;68:700-10; Marroni F et al. Eur J Hum Genet, 2004 Nov;12:899-906; Pohlreich P et al. Breast Cancer Res. 2005 Jul;7:R728-36; Borg A et al. Hum Mutat, 2010 Mar;31:E1200-40; Tea MK et al. Maturitas, 2014 Jan;77:68-72; Fernandes GC et al. Oncotarget. 2016 Dec;7:80465-80481; Lang GT et al. Int. J. Cancer 2017 Jul;141(1):129-142; Sun J et al. Clin. Cancer Res. 2017 Oct;23(20):6113-6119; Alemar B et al. PLoS One, 2017 Nov;12:e0187630; Heramb C et al. Hered Cancer Clin Pract, 2018 Jan;16:3; Rebbeck TR et al. Hum Mutat, 2018 05;39:593-620; Wu H et al. Hum Hered, 2019 Feb;84:160-169; Cao WM et al. BMC Cancer, 2019 Jun;19:551; Guo X et al. Int J Cancer, 2020 04;146:2175-2181; Zeng C et al. Breast Cancer Res Treat, 2020 Jun;181:465-473; Meng H et al. Int J Cancer, 2020 06;146:3044-3052; Liu Y et al. J Hematol Oncol, 2021 01;14:18; Lerner-Ellis J et al. J Cancer Res Clin Oncol, 2021 Mar;147:871-879), including patients with male breast cancer (Tai YC et al. J Natl Cancer Inst, 2007 Dec;99:1811-4). This mutation has also been reported in individuals with prostate, pancreatic, colorectal and gastric cancers (Edwards SM et al. Br. J. Cancer. 2010 Sep;103:918-24; AlDubayan SH et al. Am J Hum Genet, 2018 03;102:401-414; Dudley B et al. Cancer, 2018 04;124:1691-1700; Wei Y et al. Oncologist, 2020 07;25:e1042-e1050; Zhou J et al. Oncology, 2020 Jun;98:583-588), as well as in members of one Fanconi anemia family (Wagner JE et al. Blood, 2004 Apr;103:3226-9). In addition to the clinical data presented in the literature, this alteration is expected to result in loss of function by premature protein truncation or nonsense-mediated mRNA decay. As such, this alteration is interpreted as a disease-causing mutation.

NM_000059.4(BRCA2):c.5682C>G (p.Tyr1894Ter)

Gene: BRCA2 (BRCA2 DNA repair associated; plus strand). Cytogenetic location: 13q13.1.
Variant type: single nucleotide variant.
Coding change: c.5682C>G on transcript NM_000059.4 (MANE Select); coding-DNA position 5682, C replaced by G.
Protein change: p.Tyr1894Ter; replaces tyrosine 1894 with a stop codon.
Molecular consequence: nonsense.
Genome position (GRCh38, 1-based): chr13:32,340,037, C>G. VCF-style: chr13-32340037-C-G. GRCh37 (hg19) VCF-style: chr13-32914174-C-G.
Other names: p.Y1894*:TAC>TAG; 5910C>G; short protein forms Y1894*.
Identifiers: ClinVar variation 37989 (VCV000037989.125), dbSNP rs41293497, ClinGen allele CA022962.